The following is an entry in ClinVar:

NM_014946.4(SPAST):c.1174-289T>C

Gene: SPAST (spastin; plus strand). Cytogenetic location: 2p22.3.
Variant type: single nucleotide variant.
Coding change: c.1174-289T>C on transcript NM_014946.4 (MANE Select); 289 bases into the intron before coding-DNA position 1174, T replaced by C.
Molecular consequence: intron variant.
Genome position (GRCh38, 1-based): chr2:32,128,119, T>C. VCF-style: chr2-32128119-T-C. GRCh37 (hg19) VCF-style: chr2-32353188-T-C.
Other names: c.1078-289T>C (NM_199436.2, NM_001377959.1); c.1171-289T>C (NM_001363823.2); c.1075-289T>C (NM_001363875.2).
Identifiers: ClinVar variation 684076 (VCV000684076.1), dbSNP rs216540, ClinGen allele CA44742518.

ClinVar aggregate classification (germline): Benign (1 of 4 stars; one submission).

Allele frequency attached by ClinVar (database versions not stated): 1000 Genomes Project 30x 0.98813; 1000 Genomes Project 0.98822; gnomAD 0.99008 and 0.99095; TOPMed 0.99077; gnomAD exomes 0.99885.
gnomAD v4.1: 352,593 of 354,196 alleles (100%); highest among the groups gnomAD compares: Middle Eastern, 100%; 175,517 homozygotes.

Submission:

GeneDx
Classification: Benign. Last evaluated: 2018-06-14. Review status: criteria provided, single submitter. Criteria: GeneDx Variant Classification (06012015). Collection method: clinical testing. Allele origin: germline. Affected: yes.
Comment: This variant is considered likely benign or benign based on one or more of the following criteria: it is a conservative change, it occurs at a poorly conserved position in the protein, it is predicted to be benign by multiple in silico algorithms, and/or has population frequency not consistent with disease.